The following is an entry in ClinVar:

NM_004268.5(MED17):c.657del (p.His219fs)

Gene: MED17 (mediator complex subunit 17; plus strand). Cytogenetic location: 11q21.
Variant type: Deletion.
Coding change: c.657del on transcript NM_004268.5 (MANE Select); coding-DNA position 657, one base deleted (T; older notation c.657delT).
Protein change: p.His219fs; shifts the reading frame from histidine 219.
Molecular consequence: frameshift variant.
Genome position (GRCh38, 1-based): chr11:93,793,747, T deleted. VCF-style (leftmost placement, unchanged base first): chr11-93793746-AT-A. GRCh37 (hg19) VCF-style: chr11-93526912-AT-A.
Other names: short protein forms H219fs.
Identifiers: ClinVar variation 1438359 (VCV001438359.6), dbSNP rs1943868758, ClinGen allele CA1992124566.

ClinVar aggregate classification (germline): Pathogenic/Likely pathogenic. Review status: criteria provided, multiple submitters, no conflicts (2 of 4 stars). 2 submissions from 2 submitters: Pathogenic (1); Likely pathogenic (1). Last evaluated 2025-08-05.

Conditions:
Infantile cerebral and cerebellar atrophy with postnatal progressive microcephaly (MSBA). Identifiers: Orphanet 402364, MedGen C3150921, MONDO:0013351, OMIM 613668.

Allele frequency attached by ClinVar (database versions not stated): TOPMed below 0.00001.

Submissions (2):

Variantyx, Inc.
Classification: Likely pathogenic for Infantile cerebral and cerebellar atrophy with postnatal progressive microcephaly. Last evaluated: 2025-08-05. Review status: criteria provided, single submitter. Criteria: Variantyx Assertion Criteria 2022. Collection method: clinical testing. Allele origin: germline. Inheritance: Autosomal recessive inheritance.
Comment: This is a frameshift variant in the MED17 gene (OMIM: 603810). Pathogenic variants in this gene have been associated with autosomal recessive postnatal progressive microcephaly, seizures, and brain atrophy. This variant introduces a premature termination codon in exon 4 out of 12 and is expected to result in loss of function, which is a known disease mechanism for MED17 in this disorder (PMID: 20950787, 26004231, 30345598) (PVS1). This variant is absent from control populations (PM2). Based on the current evidence, this variant is classified as likely pathogenic for autosomal recessive postnatal progressive microcephaly, seizures, and brain atrophy.

Labcorp Genetics (formerly Invitae), Labcorp
Classification: Pathogenic. Last evaluated: 2021-04-27. Review status: criteria provided, single submitter. Criteria: Invitae Variant Classification Sherloc (09022015). Collection method: clinical testing. Allele origin: germline.
Comment: For these reasons, this variant has been classified as Pathogenic. Algorithms developed to predict the effect of sequence changes on RNA splicing suggest that this variant may create or strengthen a splice site, but this prediction has not been confirmed by published transcriptional studies. This variant has not been reported in the literature in individuals with MED17-related conditions. This variant is not present in population databases (ExAC no frequency). This sequence change creates a premature translational stop signal (p.His219Glnfs*6) in the MED17 gene. It is expected to result in an absent or disrupted protein product. Loss-of-function variants in MED17 are known to be pathogenic (PMID: 20950787, 26004231, 30345598).

Literature cited by the submitters: PubMed 20950787 (cited by Variantyx, Inc. and Labcorp Genetics (formerly Invitae), Labcorp); PubMed 26004231 (cited by Variantyx, Inc. and Labcorp Genetics (formerly Invitae), Labcorp); PubMed 30345598 (cited by Variantyx, Inc. and Labcorp Genetics (formerly Invitae), Labcorp).